The following is an entry in ClinVar:

NM_004385.5(VCAN):c.6447A>T (p.Glu2149Asp)

Genes: VCAN (versican; plus strand), VCAN-AS1 (VCAN antisense RNA 1; minus strand). Cytogenetic location: 5q14.3.
Variant type: single nucleotide variant.
Coding change: c.6447A>T on transcript NM_004385.5 (MANE Select); coding-DNA position 6447, A replaced by T.
Protein change: p.Glu2149Asp; replaces glutamic acid 2149 with aspartic acid.
Molecular consequence: missense variant. On other transcripts: intron variant (2).
Genome position (GRCh38, 1-based): chr5:83,539,450, A>T. VCF-style: chr5-83539450-A-T. GRCh37 (hg19) VCF-style: chr5-82835269-A-T.
Other names: c.3486A>T, p.Glu1162Asp (NM_001164097.2); c.4004-6087A>T (NM_001164098.2); c.1043-6087A>T (NM_001126336.3); short protein forms E1162D, E2149D.
Identifiers: ClinVar variation 3644023 (VCV003644023.2).
Genomic context (GRCh38, chr5:83,539,450, plus strand): 5'-TCAAAACTCTCCTGCAACAGAACAAACAATCTTTGATTCACAGACATTTACTGAAACTGA[A>T]CTCAAAACCACAGATTATTCTGTACTAACAACAAAGAAAACTTACAGTGATGATAAAGAA-3'
Protein context (NP_004376.2, residues 2139-2159): IFDSQTFTET[Glu2149Asp]LKTTDYSVLT

ClinVar aggregate classification (germline): Uncertain significance (1 of 4 stars; one submission).

gnomAD v4.1: 1 of 1,613,428 alleles (0.000062%); no homozygotes.

Submission:

Labcorp Genetics (formerly Invitae), Labcorp
Classification: Uncertain significance. Last evaluated: 2024-03-01. Review status: criteria provided, single submitter. Criteria: Invitae Variant Classification Sherloc (09022015). Collection method: clinical testing. Allele origin: germline.
Comment: This sequence change replaces glutamic acid, which is acidic and polar, with aspartic acid, which is acidic and polar, at codon 2149 of the VCAN protein (p.Glu2149Asp). This variant is not present in population databases (gnomAD no frequency). This variant has not been reported in the literature in individuals affected with VCAN-related conditions. An algorithm developed to predict the effect of missense changes on protein structure and function (PolyPhen-2) suggests that this variant is likely to be tolerated. In summary, the available evidence is currently insufficient to determine the role of this variant in disease. Therefore, it has been classified as a Variant of Uncertain Significance.